The following is an entry in ClinVar:

ClinVar aggregate classification (germline): Likely benign (0 of 4 stars; one submission).

Conditions:
NRP2-related disorder. Also called: NRP2-related condition.

gnomAD v4.1: 74 of 1,614,082 alleles (0.0046%); highest among the groups gnomAD compares: African/African-American, 0.0067%; no homozygotes.

Submission:

PreventionGenetics, part of Exact Sciences
Classification: Likely benign for NRP2-related condition. Last evaluated: 2021-12-07. Review status: no assertion criteria provided. Collection method: clinical testing. Allele origin: germline.
Comment: This variant is classified as likely benign based on ACMG/AMP sequence variant interpretation guidelines (Richards et al. 2015 PMID: 25741868, with internal and published modifications).

NM_003872.3(NRP2):c.1254C>T (p.Ile418=)

Gene: NRP2 (neuropilin 2; plus strand). Cytogenetic location: 2q33.3.
Variant type: single nucleotide variant.
Coding change: c.1254C>T on transcript NM_003872.3 (MANE Select); coding-DNA position 1254, C replaced by T.
Protein change: p.Ile418=; no amino-acid change (isoleucine 418 retained).
Molecular consequence: synonymous variant.
Genome position (GRCh38, 1-based): chr2:205,740,626, C>T. VCF-style: chr2-205740626-C-T. GRCh37 (hg19) VCF-style: chr2-206605350-C-T.
Other names: c.1254C>T, p.Ile418= (NM_018534.4, NM_201264.2, NM_201266.2 and 2 more transcripts).
Identifiers: ClinVar variation 3357854 (VCV003357854.1).